The following is an entry in ClinVar:

ClinVar aggregate classification (germline): Conflicting classifications of pathogenicity. Review status: criteria provided, conflicting classifications (1 of 4 stars). 5 submissions from 5 submitters: Uncertain significance (2); Likely benign (2). 1 of the submissions does not count toward it. Last evaluated 2026-07-01.

Conditions:
Cardiomyopathy (CMYO). Also called: Cardiomyopathies. Identifiers: Orphanet 167848, MedGen C0878544, MONDO:0004994, HP:0001638. Inheritance: Various modes of inheritance.
Becker muscular dystrophy (BMD). Also called: MUSCULAR DYSTROPHY, PSEUDOHYPERTROPHIC PROGRESSIVE, BECKER TYPE; Becker Muscular Dystrophy (BMD). Identifiers: Orphanet 98895, MedGen C0917713, MONDO:0010311, OMIM 300376.
Duchenne muscular dystrophy (DMD). Also called: Duchenne Muscular Dystrophy (DMD); MUSCULAR DYSTROPHY, PSEUDOHYPERTROPHIC PROGRESSIVE, DUCHENNE TYPE. Identifiers: Orphanet 98896, MedGen C0013264, MONDO:0010679, OMIM 310200.
Dystrophin deficiency.
Cardiovascular phenotype. Identifiers: MedGen CN230736.

Allele frequency attached by ClinVar (database versions not stated): gnomAD exomes below 0.00001 and 0.00002; gnomAD 0.00001; TOPMed 0.00001.
gnomAD v4.1: 8 of 1,207,602 alleles (0.00066%); highest among the groups gnomAD compares: Admixed American, 0.0022%; no homozygotes.

Submissions (5):

CeGaT Center for Human Genetics Tuebingen
Classification: Likely benign. Last evaluated: 2026-07-01. Review status: criteria provided, single submitter. Criteria: CeGaT Center For Human Genetics Tuebingen Variant Classification Criteria Version 2. Collection method: clinical testing. Allele origin: germline. Affected: yes. Observed: 2 variant alleles.
Comment: DMD: BP4, BS2

Labcorp Genetics (formerly Invitae), Labcorp
Classification: Likely benign for Duchenne muscular dystrophy. Last evaluated: 2026-01-05. Review status: criteria provided, single submitter. Criteria: Invitae Variant Classification Sherloc (09022015). Collection method: clinical testing. Allele origin: germline.

Ambry Genetics
Classification: Uncertain significance for Cardiovascular phenotype. Last evaluated: 2021-01-26. Review status: criteria provided, single submitter. Criteria: Ambry Variant Classification Scheme 2023. Collection method: clinical testing. Allele origin: germline.
Comment: The p.K2618R variant (also known as c.7853A>G), located in coding exon 53 of the DMD gene, results from an A to G substitution at nucleotide position 7853. The lysine at codon 2618 is replaced by arginine, an amino acid with highly similar properties. Based on data from gnomAD, the G allele has an overall frequency of 0.002% (3/173181) total alleles studied, with 3 hemizygotes observed. The highest observed frequency was 0.008% (1/12686) of African/ African American alleles. This amino acid position is not well conserved in available vertebrate species, and arginine is the reference amino acid in other vertebrate species. In addition, this alteration is predicted to be tolerated by in silico analysis. Since supporting evidence is limited at this time, the clinical significance of this alteration remains unclear.

Revvity Omics, Revvity
Classification: Uncertain significance. Last evaluated: 2019-08-08. Review status: criteria provided, single submitter. Criteria: ACMG Guidelines, 2015. Collection method: clinical testing. Allele origin: germline.

Natera, Inc.
Classification: Likely benign for Becker muscular dystrophy; Cardiomyopathy; Duchenne muscular dystrophy; Dystrophin deficiency. Last evaluated: 2019-07-01. Review status: no assertion criteria provided. Collection method: clinical testing. Allele origin: germline. Not counted in ClinVar's aggregate classification.

NM_004006.3(DMD):c.7853A>G (p.Lys2618Arg)

Gene: DMD (dystrophin; minus strand). Cytogenetic location: Xp21.1.
Variant type: single nucleotide variant.
Coding change: c.7853A>G on transcript NM_004006.3 (MANE Select); coding-DNA position 7853, A replaced by G.
Protein change: p.Lys2618Arg; replaces lysine 2618 with arginine.
Molecular consequence: missense variant.
Genome position (GRCh38, 1-based): chrX:31,679,394, T>C on the plus strand (A>G on the coding strand, the complement: DMD is on the minus strand). VCF-style: chrX-31679394-T-C. GRCh37 (hg19) VCF-style: chrX-31697511-T-C.
Other names: c.7829A>G, p.Lys2610Arg (NM_000109.4); c.7841A>G, p.Lys2614Arg (NM_004009.3); c.7484A>G, p.Lys2495Arg (NM_004010.3); c.3830A>G, p.Lys1277Arg (NM_004011.4); c.3821A>G, p.Lys1274Arg (NM_004012.4); c.473A>G, p.Lys158Arg (NM_004013.3, NM_004020.4, NM_004021.3 and 2 more transcripts); short protein forms K158R, K1274R, K2610R, K2614R, K1277R, K2495R, K2618R.
Identifiers: ClinVar variation 695579 (VCV000695579.17), dbSNP rs972664841, ClinGen allele CA328462478.